The following is an entry in ClinVar:

NM_001321120.2(TBX4):c.622G>A (p.Gly208Ser)

Gene: TBX4 (T-box transcription factor 4; plus strand). Cytogenetic location: 17q23.2.
Variant type: single nucleotide variant.
Coding change: c.622G>A on transcript NM_001321120.2 (MANE Select); coding-DNA position 622, G replaced by A.
Protein change: p.Gly208Ser; replaces glycine 208 with serine.
Molecular consequence: missense variant.
Genome position (GRCh38, 1-based): chr17:61,478,699, G>A. VCF-style: chr17-61478699-G-A. GRCh37 (hg19) VCF-style: chr17-59556060-G-A.
Other names: c.622G>A, p.Gly208Ser (LRG_1206t1, NM_018488.3); short protein forms G208S.
Identifiers: ClinVar variation 324251 (VCV000324251.5), dbSNP rs78640841, ClinGen allele CA8689867.
Genomic context (GRCh38, chr17:61,478,699, plus strand): 5'-TCTATGCACAAGTACCAGCCGCGGCTCCACATCGTTAAGGCTGATGAGAACAATGCTTTC[G>A]GCTCCAAAAACACTGCTTTCTGCACCCACGTGTTCCCAGAGACCTCCTTCATCTCTGTGA-3'
Protein context (NP_001308049.1, residues 198-218): IVKADENNAF[Gly208Ser]SKNTAFCTHV

ClinVar aggregate classification (germline): Benign (1 of 4 stars; one submission).

Conditions:
Coxopodopatellar syndrome. Also called: ISCHIOPATELLAR DYSPLASIA; SCOTT-TAOR SYNDROME; Small patella syndrome; ISCHIOCOXOPODOPATELLAR SYNDROME; PATELLA APLASIA, COXA VARA, AND TARSAL SYNOSTOSIS; Congenital coxa vara, patella aplasia and tarsal synostosis. Identifiers: Orphanet 1509, MedGen C1840061, MONDO:0007841, OMIM 147891.

Allele frequency attached by ClinVar (database versions not stated): gnomAD 0.00001 and 0.00003; TOPMed 0.00001; ExAC 0.00002; gnomAD exomes 0.00004; 1000 Genomes Project 30x 0.00031; 1000 Genomes Project 0.00040.
gnomAD v4.1: 177 of 1,614,070 alleles (0.011%); highest among the groups gnomAD compares: East Asian, 0.36%; no homozygotes.

Submission:

Illumina Laboratory Services, Illumina
Classification: Benign for Coxopodopatellar syndrome. Last evaluated: 2018-01-12. Review status: criteria provided, single submitter. Criteria: ICSL Variant Classification Criteria 13 December 2019. Collection method: clinical testing. Allele origin: germline.
Comment: This variant was observed in the ICSL laboratory as part of a predisposition screen in an ostensibly healthy population. It had not been previously curated by ICSL or reported in the Human Gene Mutation Database (HGMD: prior to June 1st, 2018), and was therefore a candidate for classification through an automated scoring system. Utilizing variant allele frequency, disease prevalence and penetrance estimates, and inheritance mode, an automated score was calculated to assess if this variant is too frequent to cause the disease. Based on the score and internal cut-off values, a variant classified as benign is not then subjected to further curation. The score for this variant resulted in a classification of benign for this disease.